The following is an entry in ClinVar:

ClinVar aggregate classification (germline): Uncertain significance (1 of 4 stars; one submission).

Conditions:
Inborn genetic diseases. Identifiers: MedGen C0950123, MeSH D030342.

Submission:

Ambry Genetics
Classification: Uncertain significance for Inborn genetic diseases. Last evaluated: 2026-06-15. Review status: criteria provided, single submitter. Criteria: Ambry Variant Classification Scheme 2023. Collection method: clinical testing. Allele origin: germline.
Comment: The c.1375C>T (p.R459C) alteration is located in exon 6 (coding exon 6) of the TBR1 gene. This alteration results from a C to T substitution at nucleotide position 1375, causing the arginine (R) at amino acid position 459 to be replaced by a cysteine (C). Based on data from gnomAD, the T allele has an overall frequency of 0.001% (1/162442) total alleles studied. The highest observed frequency was 0.001% (1/69614) of European (non-Finnish) alleles. Based on insufficient or conflicting evidence, the clinical significance of this alteration remains unclear.

NM_006593.4(TBR1):c.1375C>T (p.Arg459Cys)

Gene: TBR1 (T-box brain transcription factor 1; plus strand). Cytogenetic location: 2q24.2.
Variant type: single nucleotide variant.
Coding change: c.1375C>T on transcript NM_006593.4 (MANE Select); coding-DNA position 1375, C replaced by T.
Protein change: p.Arg459Cys; replaces arginine 459 with cysteine.
Molecular consequence: missense variant.
Genome position (GRCh38, 1-based): chr2:161,423,553, C>T. VCF-style: chr2-161423553-C-T. GRCh37 (hg19) VCF-style: chr2-162280064-C-T.
Other names: short protein forms R459C.
Identifiers: ClinVar variation 5030528 (VCV005030528.1).